The following is an entry in ClinVar:

ClinVar aggregate classification (germline): Uncertain significance (1 of 4 stars; one submission).

gnomAD v4.1: 16 of 1,613,476 alleles (0.00099%); highest among the groups gnomAD compares: Non-Finnish European, 0.0013%; no homozygotes.

Submission:

Ambry Genetics
Classification: Uncertain significance. Last evaluated: 2024-12-02. Review status: criteria provided, single submitter. Criteria: Ambry Variant Classification Scheme 2023. Collection method: clinical testing. Allele origin: germline.
Comment: The p.K645R variant (also known as c.1934A>G), located in coding exon 19 of the KIF1B gene, results from an A to G substitution at nucleotide position 1934. The lysine at codon 645 is replaced by arginine, an amino acid with highly similar properties. This amino acid position is conserved. In addition, this alteration is predicted to be tolerated by in silico analysis. Based on the available evidence, the clinical significance of this variant remains unclear.

NM_001365951.3(KIF1B):c.2072A>G (p.Lys691Arg)

Gene: KIF1B (kinesin family member 1B; plus strand). Cytogenetic location: 1p36.22.
Variant type: single nucleotide variant.
Coding change: c.2072A>G on transcript NM_001365951.3 (MANE Select); coding-DNA position 2072, A replaced by G.
Protein change: p.Lys691Arg; replaces lysine 691 with arginine.
Molecular consequence: missense variant.
Genome position (GRCh38, 1-based): chr1:10,297,203, A>G. VCF-style: chr1-10297203-A-G. GRCh37 (hg19) VCF-style: chr1-10357261-A-G.
Other names: c.2072A>G, p.Lys691Arg (NM_001365952.1); c.1934A>G, p.Lys645Arg (NM_001365953.1, NM_015074.3, NM_183416.4); short protein forms K691R, K645R.
Identifiers: ClinVar variation 3533868 (VCV003533868.1).